The following is an entry in ClinVar:

NM_006445.4(PRPF8):c.4912A>C (p.Asn1638His)

Gene: PRPF8 (pre-mRNA processing factor 8; minus strand). Cytogenetic location: 17p13.3.
Variant type: single nucleotide variant.
Coding change: c.4912A>C on transcript NM_006445.4 (MANE Select); coding-DNA position 4912, A replaced by C.
Protein change: p.Asn1638His; replaces asparagine 1638 with histidine.
Molecular consequence: missense variant.
Genome position (GRCh38, 1-based): chr17:1,659,875, T>G on the plus strand (A>C on the coding strand, the complement: PRPF8 is on the minus strand). VCF-style: chr17-1659875-T-G. GRCh37 (hg19) VCF-style: chr17-1563169-T-G.
Other names: short protein forms N1638H.
Identifiers: ClinVar variation 2809602 (VCV002809602.4), dbSNP rs2543730466, ClinGen allele CA397574475.

ClinVar aggregate classification (germline): Uncertain significance. Review status: criteria provided, multiple submitters, no conflicts (2 of 4 stars). 2 submissions from 2 submitters: Uncertain significance (2). Last evaluated 2022-10-25.

Submissions (2):

Labcorp Genetics (formerly Invitae), Labcorp
Classification: Uncertain significance. Last evaluated: 2022-10-25. Review status: criteria provided, single submitter. Criteria: Invitae Variant Classification Sherloc (09022015). Collection method: clinical testing. Allele origin: germline.
Comment: Advanced modeling of protein sequence and biophysical properties (such as structural, functional, and spatial information, amino acid conservation, physicochemical variation, residue mobility, and thermodynamic stability) performed at Invitae indicates that this missense variant is not expected to disrupt PRPF8 protein function. This sequence change replaces asparagine, which is neutral and polar, with histidine, which is basic and polar, at codon 1638 of the PRPF8 protein (p.Asn1638His). This variant is not present in population databases (gnomAD no frequency). This variant has not been reported in the literature in individuals affected with PRPF8-related conditions. In summary, the available evidence is currently insufficient to determine the role of this variant in disease. Therefore, it has been classified as a Variant of Uncertain Significance.

Blueprint Genetics
Classification: Uncertain significance. Last evaluated: 2018-07-17. Review status: criteria provided, single submitter. Criteria: ACMG Guidelines, 2015. Collection method: clinical testing. Allele origin: germline.